The following is an entry in ClinVar:

NM_000053.4(ATP7B):c.2391_2393del (p.Leu798del)

Gene: ATP7B (ATPase copper transporting beta; minus strand). Cytogenetic location: 13q14.3.
Variant type: Deletion.
Coding change: c.2391_2393del on transcript NM_000053.4 (MANE Select); coding-DNA positions 2391 to 2393, 3 bases deleted (TCT; older notation c.2391_2393delTCT).
Protein change: p.Leu798del; deletes leucine 798.
Molecular consequence: inframe deletion.
Genome position (GRCh38, 1-based): chr13:51,957,570-51,957,572, AGA deleted on the plus strand (TCT on the coding strand, the reverse complement: ATP7B is on the minus strand). VCF-style (leftmost placement, unchanged base first): chr13-51957569-GAGA-G. GRCh37 (hg19) VCF-style: chr13-52531705-GAGA-G.
Other names: p.Leu798del; c.1905_1907del, p.Leu636del (NM_001005918.3); c.2058_2060del, p.Leu687del (NM_001243182.2); c.2157_2159del, p.Leu720del (NM_001330578.2); c.2139_2141del, p.Leu714del (NM_001330579.2); c.2391_2393delTCT (NM_000053.4); c.2391_2393del (NM_000053.3); short protein forms L636del, L687del, L714del, L720del, L798del.
Identifiers: ClinVar variation 1334164 (VCV001334164.18), dbSNP rs772383075, ClinGen allele CA6989040.
Genomic context (GRCh38, chr13:51,957,569, plus strand): 5'-AACTCACCTGATGATTAAATTGTCCTCACCAAGGGTCACAACGGTGGCTTCTGTGGCTTG[GAGA>G]GACATGAGTTTAGCCAGGGCTTCTGAGGTTTTGCTCTAGGAAATAACCAGAATGTGAAAT-3'

ClinVar aggregate classification (germline): Uncertain significance. Review status: criteria provided, multiple submitters, no conflicts (2 of 4 stars). 8 submissions from 8 submitters: Uncertain significance (8). Last evaluated 2026-06-16.

Conditions:
Inborn genetic diseases. Identifiers: MedGen C0950123, MeSH D030342.
Wilson disease (WND). Also called: Wilson's disease. Identifiers: Orphanet 905, MedGen C0019202, MONDO:0010200, OMIM 277900. Disease mechanism: loss of function.

Allele frequency attached by ClinVar (database versions not stated): gnomAD exomes 0.00001 and 0.00002; ExAC 0.00002; TOPMed 0.00002; gnomAD 0.00003.

Submissions (8):

Women's Health and Genetics/Laboratory Corporation of America, LabCorp
Classification: Uncertain significance. Last evaluated: 2026-06-16. Review status: criteria provided, single submitter. Criteria: LabCorp Variant Classification Summary - May 2015. Collection method: clinical testing. Allele origin: germline.
Comment: Variant summary: ATP7B c.2391_2393delTCT (p.Leu798del) results in an in-frame deletion that is predicted to remove one amino acid from the encoded protein. The variant allele was found at a frequency of 8e-06 in 249556 control chromosomes. The available data on variant occurrences in the general population are insufficient to allow any conclusion about variant significance. c.2391_2393delTCT has been reported as a heterozygous genotype in an individual affected with Wilson Disease (Margarit_2005). These report(s) do not provide unequivocal conclusions about association of the variant with Wilson Disease. To our knowledge, no experimental evidence demonstrating an impact on protein function has been reported. The following publication has been ascertained in the context of this evaluation (PMID: 15952988). ClinVar contains an entry for this variant (Variation ID: 1334164). Based on the evidence outlined above, the variant was classified as uncertain significance.

Color Diagnostics, LLC DBA Color Health
Classification: Uncertain significance for Wilson disease. Last evaluated: 2025-09-10. Review status: criteria provided, single submitter. Criteria: ACMG Guidelines, 2015. Collection method: clinical testing. Allele origin: germline.
Comment: This variant causes an in-frame deletion of one amino acid in exon 9 of the ATP7B protein. To our knowledge, functional studies have not been reported for this variant. This variant has been reported in an individual affected with Wilson Disease (PMID: 15952988). This variant has been identified in 3/280964 chromosomes in the general population by the Genome Aggregation Database (gnomAD). The available evidence is insufficient to determine the role of this variant in disease conclusively. Therefore, this variant is classified as a Variant of Uncertain Significance.

Fulgent Genetics
Classification: Uncertain significance for Wilson disease. Last evaluated: 2024-02-07. Review status: criteria provided, single submitter. Criteria: ACMG Guidelines, 2015. Collection method: clinical testing. Allele origin: germline.

All of Us Research Program, National Institutes of Health
Classification: Uncertain significance for Wilson disease. Last evaluated: 2023-12-07. Review status: criteria provided, single submitter. Criteria: ACMG Guidelines, 2015. Collection method: clinical testing. Allele origin: germline. Inheritance: Autosomal recessive inheritance. Observed: 4 variant alleles, 4 heterozygotes.
Comment: This variant is located in the ATP7B protein. To our knowledge, functional studies have not been reported for this variant. This variant has been reported in an individual affected with Wilson Disease (PMID: 15952988). This variant has been identified in 3/280964 chromosomes in the general population by the Genome Aggregation Database (gnomAD). The available evidence is insufficient to determine the role of this variant in disease conclusively. Therefore, this variant is classified as a Variant of Uncertain Significance.

This study involves interpretation of variants in research participants for the purpose of population health screening. Participant phenotype was not available at the time of variant classification. Additional details can be found in publication PMID: 35346344, PMCID: PMC8962531

Labcorp Genetics (formerly Invitae), Labcorp
Classification: Uncertain significance for Wilson disease. Last evaluated: 2022-08-31. Review status: criteria provided, single submitter. Criteria: Invitae Variant Classification Sherloc (09022015). Collection method: clinical testing. Allele origin: germline.
Comment: This variant, c.2391_2393del, results in the deletion of 1 amino acid(s) of the ATP7B protein (p.Leu798del), but otherwise preserves the integrity of the reading frame. This variant is present in population databases (rs772383075, gnomAD 0.002%). This variant has been observed in individual(s) with Wilson disease (PMID: 15952988). ClinVar contains an entry for this variant (Variation ID: 1334164). Experimental studies and prediction algorithms are not available or were not evaluated, and the functional significance of this variant is currently unknown. In summary, the available evidence is currently insufficient to determine the role of this variant in disease. Therefore, it has been classified as a Variant of Uncertain Significance.

Mayo Clinic Laboratories, Mayo Clinic
Classification: Uncertain significance. Last evaluated: 2022-01-21. Review status: criteria provided, single submitter. Criteria: ACMG Guidelines, 2015. Collection method: clinical testing. Allele origin: germline. Observed: 2 variant alleles.
Comment: PP4, PM2, PM4

Myriad Genetics, Inc.
Classification: Uncertain significance for Wilson disease. Last evaluated: 2021-11-10. Review status: criteria provided, single submitter. Criteria: Myriad Women's Health Autosomal Recessive and X-Linked Classification Criteria (2021). Collection method: clinical testing. Allele origin: unknown.
Comment: NM_000053.3(ATP7B):c.2391_2393delTCT(L798del) is an in-frame deletion variant classified as a variant of uncertain significance in the context of Wilson disease. L798del has been observed in cases with relevant disease (PMID: 15952988). Functional assessments of this variant are not available in the literature. L798del has been observed in population frequency databases (gnomAD: NFE 0.001%). In summary, there is insufficient evidence to classify NM_000053.3(ATP7B):c.2391_2393delTCT(L798del) as pathogenic or benign. Please note: this variant was assessed in the context of healthy population screening.

Ambry Genetics
Classification: Uncertain significance for Inborn genetic diseases. Last evaluated: 2016-12-23. Review status: criteria provided, single submitter. Criteria: Ambry Variant Classification Scheme 2023. Collection method: clinical testing. Allele origin: germline.
Comment: The c.2391_2393delTCT variant (also known as p.L798del) is located in coding exon 9 of the ATP7B gene. This variant results from an in-frame TCT deletion at nucleotide positions 2391 to 2393. This results in the in-frame deletion of a leucine at codon 798. This alteration was detected in an individual reported to have a diagnosis of Wilson disease; however, the specific clinical features of this patient were not described and a second disease causing mutation was not identified in this individual (Margarit E et al. Clin. Genet., 2005 Jul;68:61-8). This amino acid position is highly conserved in available vertebrate species. Since supporting evidence is limited at this time, the clinical significance of this alteration remains unclear.

Literature cited by the submitters: PubMed 15952988 (cited by 6 submitters).